The following is an entry in ClinVar:

NM_005732.4(RAD50):c.129+1G>T

Gene: RAD50 (RAD50 double strand break repair protein; plus strand). Cytogenetic location: 5q31.1.
Variant type: single nucleotide variant.
Coding change: c.129+1G>T on transcript NM_005732.4 (MANE Select); the canonical splice donor site of the intron after coding-DNA position 129, G replaced by T.
Molecular consequence: splice donor variant.
Genome position (GRCh38, 1-based): chr5:132,557,454, G>T. VCF-style: chr5-132557454-G-T. GRCh37 (hg19) VCF-style: chr5-131893146-G-T.
Identifiers: ClinVar variation 527385 (VCV000527385.9), dbSNP rs1339714611, ClinGen allele CA360952035.

ClinVar aggregate classification (germline): Likely pathogenic. Review status: criteria provided, multiple submitters, no conflicts (2 of 4 stars). 3 submissions from 3 submitters: Likely pathogenic (3). Last evaluated 2024-05-02.

Conditions:
Hereditary cancer-predisposing syndrome. Also called: Neoplastic Syndromes, Hereditary; Tumor predisposition; Hereditary Cancer Syndrome; Hereditary neoplastic syndrome. Identifiers: Orphanet 140162, MedGen C0027672, MeSH D009386, MONDO:0015356.
Nijmegen breakage syndrome-like disorder (NBSLD). Also called: MICROCEPHALY AND SPONTANEOUS CHROMOSOME INSTABILITY WITHOUT IMMUNODEFICIENCY; NBS-LIKE DISORDER; RAD50 DEFICIENCY. Identifiers: Orphanet 240760, MedGen C2751318, MONDO:0013118, OMIM 613078.

Allele frequency attached by ClinVar (database versions not stated): TOPMed below 0.00001; gnomAD 0.00001.
gnomAD v4.1: 2 of 1,613,974 alleles (0.00012%); highest among the groups gnomAD compares: African/African-American, 0.0027%; no homozygotes.

Submissions (3):

Ambry Genetics
Classification: Likely pathogenic for Hereditary cancer-predisposing syndrome. Last evaluated: 2024-05-02. Review status: criteria provided, single submitter. Criteria: Ambry Variant Classification Scheme 2023. Collection method: clinical testing. Allele origin: germline.
Comment: The c.129+1G>T intronic variant results from a G to T substitution one nucleotide after coding exon 1 of the RAD50 gene. This nucleotide position is highly conserved in available vertebrate species. In silico splice site analysis predicts that this alteration will weaken the native splice donor site; however, direct evidence is insufficient at this time (Ambry internal data). This variant is considered to be rare based on population cohorts in the Genome Aggregation Database (gnomAD). Alterations that disrupt the canonical splice site are expected to cause aberrant splicing, resulting in an abnormal protein or a transcript that is subject to nonsense-mediated mRNA decay. As such, this alteration is classified as likely pathogenic.

Labcorp Genetics (formerly Invitae), Labcorp
Classification: Likely pathogenic for Hereditary cancer-predisposing syndrome. Last evaluated: 2023-11-05. Review status: criteria provided, single submitter. Criteria: Invitae Variant Classification Sherloc (09022015). Collection method: clinical testing. Allele origin: germline.
Comment: This sequence change affects a donor splice site in intron 1 of the RAD50 gene. It is expected to disrupt RNA splicing. Variants that disrupt the donor or acceptor splice site typically lead to a loss of protein function (PMID: 16199547), and loss-of-function variants in RAD50 are known to be pathogenic (PMID: 19409520). This variant is not present in population databases (gnomAD no frequency). This variant has not been reported in the literature in individuals affected with RAD50-related conditions. ClinVar contains an entry for this variant (Variation ID: 527385). Algorithms developed to predict the effect of sequence changes on RNA splicing suggest that this variant may disrupt the consensus splice site. In summary, the currently available evidence indicates that the variant is pathogenic, but additional data are needed to prove that conclusively. Therefore, this variant has been classified as Likely Pathogenic.

Baylor Genetics
Classification: Likely pathogenic for Nijmegen breakage syndrome-like disorder. Last evaluated: 2023-03-22. Review status: criteria provided, single submitter. Criteria: ACMG Guidelines, 2015. Collection method: clinical testing. Allele origin: unknown.

Literature cited by the submitters: PubMed 16199547 (cited by Labcorp Genetics (formerly Invitae), Labcorp); PubMed 19409520 (cited by Labcorp Genetics (formerly Invitae), Labcorp).